The following is an entry in ClinVar:

NM_000444.6(PHEX):c.184G>A (p.Ala62Thr)

Gene: PHEX (phosphate regulating endopeptidase X-linked; plus strand). Cytogenetic location: Xp22.11.
Variant type: single nucleotide variant.
Coding change: c.184G>A on transcript NM_000444.6 (MANE Select); coding-DNA position 184, G replaced by A.
Protein change: p.Ala62Thr; replaces alanine 62 with threonine.
Molecular consequence: missense variant.
Genome position (GRCh38, 1-based): chrX:22,038,534, G>A. VCF-style: chrX-22038534-G-A. GRCh37 (hg19) VCF-style: chrX-22056652-G-A.
Other names: c.184G>A, p.Ala62Thr (NM_001282754.2); short protein forms A62T.
Identifiers: ClinVar variation 2853306 (VCV002853306.3), dbSNP rs2519713606, ClinGen allele CA412566036.

ClinVar aggregate classification (germline): Uncertain significance (1 of 4 stars; one submission).

Allele frequency attached by ClinVar (database versions not stated): gnomAD exomes below 0.00001.
gnomAD v4.1: 1 of 1,167,827 alleles (0.000086%); highest among the groups gnomAD compares: Non-Finnish European, 0.00012%; no homozygotes.

Submission:

Labcorp Genetics (formerly Invitae), Labcorp
Classification: Uncertain significance. Last evaluated: 2023-04-07. Review status: criteria provided, single submitter. Criteria: Invitae Variant Classification Sherloc (09022015). Collection method: clinical testing. Allele origin: germline.
Comment: In summary, the available evidence is currently insufficient to determine the role of this variant in disease. Therefore, it has been classified as a Variant of Uncertain Significance. Advanced modeling of protein sequence and biophysical properties (such as structural, functional, and spatial information, amino acid conservation, physicochemical variation, residue mobility, and thermodynamic stability) has been performed at Invitae for this missense variant, however the output from this modeling did not meet the statistical confidence thresholds required to predict the impact of this variant on PHEX protein function. This variant has not been reported in the literature in individuals affected with PHEX-related conditions. This variant is not present in population databases (gnomAD no frequency). This sequence change replaces alanine, which is neutral and non-polar, with threonine, which is neutral and polar, at codon 62 of the PHEX protein (p.Ala62Thr).